The following is an entry in ClinVar:

ClinVar aggregate classification (germline): Uncertain significance (1 of 4 stars; one submission).

Conditions:
Postaxial polydactyly-anterior pituitary anomalies-facial dysmorphism syndrome. Also called: Culler-Jones syndrome. Identifiers: Orphanet 420584, MedGen C4014479, MONDO:0014369, OMIM 615849.
Holoprosencephaly 9 (HPE9). Also called: PITUITARY ANOMALIES WITH HOLOPROSENCEPHALY-LIKE FEATURES; HOLOPROSENCEPHALY WITH MICROPHTHALMIA AND FIRST BRANCHIAL ARCH ANOMALIES. Identifiers: Orphanet 2162, MedGen C1835819, MONDO:0012563, OMIM 610829.

gnomAD v4.1: 1 of 1,612,790 alleles (0.000062%); highest among the groups gnomAD compares: Non-Finnish European, 0.000085%; no homozygotes.

Submission:

Labcorp Genetics (formerly Invitae), Labcorp
Classification: Uncertain significance for Postaxial polydactyly-anterior pituitary anomalies-facial dysmorphism syndrome; Holoprosencephaly 9. Last evaluated: 2022-11-28. Review status: criteria provided, single submitter. Criteria: Invitae Variant Classification Sherloc (09022015). Collection method: clinical testing. Allele origin: germline.
Comment: In summary, the available evidence is currently insufficient to determine the role of this variant in disease. Therefore, it has been classified as a Variant of Uncertain Significance. Advanced modeling of protein sequence and biophysical properties (such as structural, functional, and spatial information, amino acid conservation, physicochemical variation, residue mobility, and thermodynamic stability) performed at Invitae indicates that this missense variant is not expected to disrupt GLI2 protein function. This variant has not been reported in the literature in individuals affected with GLI2-related conditions. This variant is not present in population databases (gnomAD no frequency). This sequence change replaces proline, which is neutral and non-polar, with serine, which is neutral and polar, at codon 1212 of the GLI2 protein (p.Pro1212Ser).

NM_001374353.1(GLI2):c.3583C>T (p.Pro1195Ser)

Gene: GLI2 (GLI family zinc finger 2; plus strand). Cytogenetic location: 2q14.2.
Variant type: single nucleotide variant.
Coding change: c.3583C>T on transcript NM_001374353.1 (MANE Select); coding-DNA position 3583, C replaced by T.
Protein change: p.Pro1195Ser; replaces proline 1195 with serine.
Molecular consequence: missense variant.
Genome position (GRCh38, 1-based): chr2:120,989,548, C>T. VCF-style: chr2-120989548-C-T. GRCh37 (hg19) VCF-style: chr2-121747124-C-T.
Other names: c.3634C>T, p.Pro1212Ser (NM_001371271.1, NM_005270.5); c.3208C>T, p.Pro1070Ser (NM_001374354.1); short protein forms P1070S, P1195S, P1212S.
Identifiers: ClinVar variation 1714818 (VCV001714818.5), dbSNP rs780598193, ClinGen allele CA348175380.